The following is an entry in ClinVar:

NM_024642.5(GALNT12):c.781G>C (p.Asp261His)

Gene: GALNT12 (polypeptide N-acetylgalactosaminyltransferase 12; plus strand). Cytogenetic location: 9q22.33.
Variant type: single nucleotide variant.
Coding change: c.781G>C on transcript NM_024642.5 (MANE Select); coding-DNA position 781, G replaced by C.
Protein change: p.Asp261His; replaces aspartic acid 261 with histidine.
Molecular consequence: missense variant.
Genome position (GRCh38, 1-based): chr9:98,831,821, G>C. VCF-style: chr9-98831821-G-C. GRCh37 (hg19) VCF-style: chr9-101594103-G-C.
Other names: short protein forms D261H.
Identifiers: ClinVar variation 641269 (VCV000641269.12), dbSNP rs41306504, ClinGen allele CA374217990.

ClinVar aggregate classification (germline): Uncertain significance. Review status: criteria provided, multiple submitters, no conflicts (2 of 4 stars). 2 submissions from 2 submitters: Uncertain significance (2). Last evaluated 2024-10-14.

Submissions (2):

Ambry Genetics
Classification: Uncertain significance. Last evaluated: 2024-10-14. Review status: criteria provided, single submitter. Criteria: Ambry Variant Classification Scheme 2023. Collection method: clinical testing. Allele origin: germline.
Comment: The p.D261H variant (also known as c.781G>C), located in coding exon 4 of the GALNT12 gene, results from a G to C substitution at nucleotide position 781. The aspartic acid at codon 261 is replaced by histidine, an amino acid with similar properties. This amino acid position is highly conserved in available vertebrate species. In addition, the in silico prediction for this alteration is inconclusive. The evidence for this gene-disease relationship is limited; therefore, the clinical significance of this alteration is unclear.

Labcorp Genetics (formerly Invitae), Labcorp
Classification: Uncertain significance. Last evaluated: 2018-11-05. Review status: criteria provided, single submitter. Criteria: Invitae Variant Classification Sherloc (09022015). Collection method: clinical testing. Allele origin: germline.
Comment: This variant is not present in population databases (ExAC no frequency). In summary, the available evidence is currently insufficient to determine the role of this variant in disease. Therefore, it has been classified as a Variant of Uncertain Significance. Algorithms developed to predict the effect of missense changes on protein structure and function are either unavailable or do not agree on the potential impact of this missense change (SIFT: "Tolerated"; PolyPhen-2: "Possibly Damaging"; Align-GVGD: "Class C0"). This variant has not been reported in the literature in individuals with GALNT12-related disease. This sequence change replaces aspartic acid with histidine at codon 261 of the GALNT12 protein (p.Asp261His). The aspartic acid residue is highly conserved and there is a moderate physicochemical difference between aspartic acid and histidine.